The following is an entry in ClinVar:

NC_000009.11:g.(?_80854919)_(80856735_?)del

Gene: CEP78 (centrosomal protein 78; plus strand). Cytogenetic location: 9q21.2.
Variant type: Deletion.
Identifiers: ClinVar variation 2423690 (VCV002423690.4).

ClinVar aggregate classification (germline): Pathogenic (1 of 4 stars; one submission).

Submission:

Labcorp Genetics (formerly Invitae), Labcorp
Classification: Pathogenic. Last evaluated: 2022-07-12. Review status: criteria provided, single submitter. Criteria: Invitae Variant Classification Sherloc (09022015). Collection method: clinical testing. Allele origin: germline.
Comment: This variant has not been reported in the literature in individuals affected with CEP78-related conditions. For these reasons, this variant has been classified as Pathogenic. This variant is a gross deletion of the genomic region encompassing exon(s) 2-4 of the CEP78 gene. This deletion is out-of-frame, and is expected to create a premature termination codon and result in an absent or disrupted protein product. Loss-of-function variants in CEP78 are known to be pathogenic (PMID: 27588451, 27588452, 27627988).

Literature cited by the submitters: PubMed 27588451; PubMed 27588452; PubMed 27627988.